The following is an entry in ClinVar:

ClinVar aggregate classification (germline): Uncertain significance (1 of 4 stars; one submission).

Conditions:
Li-Ghorbani-Weisz-Hubshman syndrome. Identifiers: MedGen C5436525, MONDO:0033547, OMIM 618974.

Submission:

Center for Precision Genome Editing and Genetic Technologies for Biomedicine, Pirogov Russian National Research Medical University
Classification: Uncertain significance for Li-Ghorbani-Weisz-Hubshman syndrome. Review status: criteria provided, single submitter. Criteria: ACMG Guidelines, 2015. Collection method: clinical testing. Allele origin: unknown. Inheritance: Autosomal dominant inheritance. Affected: yes. Observed: 1 heterozygote.
Comment: This missense variant results in an amino acid substitution. This variant has been detected in control samples with an allele frequency of 0.000007957 but has not been observed in patients with Li-Ghorgani-Weisz-Hubshman syndrome; therefore, the PM2 criterion applies.

NM_032188.3(KAT8):c.877C>T (p.Arg293Trp)

Gene: KAT8 (lysine acetyltransferase 8; plus strand). Cytogenetic location: 16p11.2.
Variant type: single nucleotide variant.
Coding change: c.877C>T on transcript NM_032188.3 (MANE Select); coding-DNA position 877, C replaced by T.
Protein change: p.Arg293Trp; replaces arginine 293 with tryptophan.
Molecular consequence: missense variant.
Genome position (GRCh38, 1-based): chr16:31,130,122, C>T. VCF-style: chr16-31130122-C-T. GRCh37 (hg19) VCF-style: chr16-31141443-C-T.
Other names: c.877C>T, p.Arg293Trp (NM_182958.4); short protein forms R293W.
Identifiers: ClinVar variation 3769640 (VCV003769640.2), dbSNP rs780513776.
Genomic context (GRCh38, chr16:31,130,122, plus strand): 5'-CATAAGACACTGTACTTTGACGTGGAGCCGTTCGTCTTTTACATCCTGACTGAGGTGGAC[C>T]GGCAGGGGGCCCACATTGTTGGCTACTTCTCCAAGGTGCTGGGTCTGGAAACTCGGGGTG-3'
Protein context (NP_115564.2, residues 283-303): FVFYILTEVD[Arg293Trp]QGAHIVGYFS